The following is an entry in ClinVar:

ClinVar aggregate classification (germline): Likely benign. Review status: criteria provided, multiple submitters, no conflicts (2 of 4 stars). 3 submissions from 3 submitters: Likely benign (3). Last evaluated 2026-06-05.

Conditions:
Nephronophthisis 15 (NPHP15). Identifiers: Orphanet 3156, MedGen C3541853, MONDO:0013917, OMIM 614845.
CEP164-related disorder. Also called: CEP164-related condition.

Allele frequency attached by ClinVar (database versions not stated): ExAC 0.00003; gnomAD exomes 0.00004 and 0.00009; TOPMed 0.00004; gnomAD 0.00005 and 0.00006.
gnomAD v4.1: 132 of 1,606,074 alleles (0.0082%); highest among the groups gnomAD compares: Non-Finnish European, 0.01%; no homozygotes.

Submissions (3):

PreventionGenetics, part of Exact Sciences
Classification: Likely benign for CEP164-related condition. Last evaluated: 2026-06-05. Review status: criteria provided, single submitter. Criteria: ACMG Guidelines, 2015. Collection method: clinical testing. Allele origin: germline.
Comment: This variant is classified as likely benign based on ACMG/AMP sequence variant interpretation guidelines (Richards et al. 2015 PMID: 25741868, with internal and published modifications).

Labcorp Genetics (formerly Invitae), Labcorp
Classification: Likely benign for Nephronophthisis 15. Last evaluated: 2026-01-14. Review status: criteria provided, single submitter. Criteria: Invitae Variant Classification Sherloc (09022015). Collection method: clinical testing. Allele origin: germline.

Fulgent Genetics
Classification: Likely benign for Nephronophthisis 15. Last evaluated: 2024-06-20. Review status: criteria provided, single submitter. Criteria: ACMG Guidelines, 2015. Collection method: clinical testing. Allele origin: germline.

NM_014956.5(CEP164):c.501G>A (p.Val167=)

Gene: CEP164 (centrosomal protein 164; plus strand). Cytogenetic location: 11q23.3.
Variant type: single nucleotide variant.
Coding change: c.501G>A on transcript NM_014956.5 (MANE Select); coding-DNA position 501, G replaced by A.
Protein change: p.Val167=; no amino-acid change (valine 167 retained).
Molecular consequence: synonymous variant.
Genome position (GRCh38, 1-based): chr11:117,361,942, G>A. VCF-style: chr11-117361942-G-A. GRCh37 (hg19) VCF-style: chr11-117232658-G-A.
Other names: c.501G>A (NM_014956.4); c.501G>A, p.Val167= (NM_001271933.2).
Identifiers: ClinVar variation 1106627 (VCV001106627.11), dbSNP rs770213078, ClinGen allele CA6294500.
Genomic context (GRCh38, chr11:117,361,942, plus strand): 5'-GGCTCCTTTACGAGGTCTTGTGGATACCCCACCCTCTGCTCTTCGTGGATCTCAAAGCGT[G>A]AGCCTGGGGAGCTCAGTGGAGTCTGGACGTCAGCTTGGAGAACTCATGCTGGTAAGTACG-3'
Protein context (NP_055771.4, residues 157-177): PPSALRGSQS[Val167=]SLGSSVESGR